The following is an entry in ClinVar:

ClinVar aggregate classification (germline): Benign/Likely benign. Review status: criteria provided, multiple submitters, no conflicts (2 of 4 stars). 4 submissions from 4 submitters: Benign (2); Likely benign (1). 1 of the submissions does not count toward it. Last evaluated 2021-05-10.

Conditions:
Caveolinopathy. Identifiers: Orphanet 207078, MedGen C5679790, MONDO:0016146.

Allele frequency attached by ClinVar (database versions not stated): gnomAD 0.10412 and 0.10139; gnomAD exomes 0.11263; 1000 Genomes Project 0.05032; 1000 Genomes Project 30x 0.05106; TOPMed 0.09702.
gnomAD v4.1: 15,573 of 153,622 alleles (10%); highest among the groups gnomAD compares: Non-Finnish European, 16%; 1,056 homozygotes.

Submissions (4):

GeneDx
Classification: Benign. Last evaluated: 2021-05-10. Review status: criteria provided, single submitter. Criteria: GeneDx Variant Classification Process June 2021. Collection method: clinical testing. Allele origin: germline. Affected: yes.

Illumina Laboratory Services, Illumina
Classification: Benign for Caveolinopathy. Last evaluated: 2018-01-13. Review status: criteria provided, single submitter. Criteria: ICSL Variant Classification Criteria 13 December 2019. Collection method: clinical testing. Allele origin: germline.
Comment: This variant was observed in the ICSL laboratory as part of a predisposition screen in an ostensibly healthy population. It had not been previously curated by ICSL or reported in the Human Gene Mutation Database (HGMD: prior to June 1st, 2018), and was therefore a candidate for classification through an automated scoring system. Utilizing variant allele frequency, disease prevalence and penetrance estimates, and inheritance mode, an automated score was calculated to assess if this variant is too frequent to cause the disease. Based on the score and internal cut-off values, a variant classified as benign is not then subjected to further curation. The score for this variant resulted in a classification of benign for this disease.

Breakthrough Genomics
Classification: Likely benign. Review status: criteria provided, single submitter. Criteria: ACMG Guidelines, 2015. Collection method: not provided. Allele origin: germline. Inheritance: Autosomal recessive inheritance. Affected: yes.

Leiden Muscular Dystrophy (CAV3)
No classification provided. Last evaluated: 2012-04-15. Review status: no classification provided. Collection method: curation. Allele origin: germline. Not counted in ClinVar's aggregate classification.

NM_033337.3(CAV3):c.*543T>C

Genes: CAV3 (caveolin 3; plus strand), OXTR (oxytocin receptor; minus strand). Cytogenetic location: 3p25.3.
Variant type: single nucleotide variant.
Coding change: c.*543T>C on transcript NM_033337.3 (MANE Select); 543 bases downstream of the stop codon, T replaced by C.
Molecular consequence: 3 prime UTR variant.
Genome position (GRCh38, 1-based): chr3:8,746,410, T>C. VCF-style: chr3-8746410-T-C. GRCh37 (hg19) VCF-style: chr3-8788096-T-C.
Other names: c.*447T>C (NM_001234.5).
Identifiers: ClinVar variation 31718 (VCV000031718.9), dbSNP rs13093809, ClinGen allele CA215166.